The following is an entry in ClinVar:

ClinVar aggregate classification (germline): Uncertain significance (1 of 4 stars; one submission).

Conditions:
Epilepsy, familial adult myoclonic, 5 (EPEO5). Also called: CORTICAL MYOCLONIC TREMOR WITH EPILEPSY, FAMILIAL, 5. Identifiers: Orphanet 86814, MedGen C3809374, MONDO:0014167, OMIM 615400.

Submission:

Labcorp Genetics (formerly Invitae), Labcorp
Classification: Uncertain significance for Epilepsy, familial adult myoclonic, 5. Last evaluated: 2022-03-19. Review status: criteria provided, single submitter. Criteria: Invitae Variant Classification Sherloc (09022015). Collection method: clinical testing. Allele origin: germline.
Comment: This variant has not been reported in the literature in individuals affected with CNTN2-related conditions. In summary, the available evidence is currently insufficient to determine the role of this variant in disease. Therefore, it has been classified as a Variant of Uncertain Significance. Advanced modeling of protein sequence and biophysical properties (such as structural, functional, and spatial information, amino acid conservation, physicochemical variation, residue mobility, and thermodynamic stability) performed at Invitae indicates that this missense variant is not expected to disrupt CNTN2 protein function. ClinVar contains an entry for this variant (Variation ID: 999221). This variant is not present in population databases (gnomAD no frequency). This sequence change replaces alanine, which is neutral and non-polar, with valine, which is neutral and non-polar, at codon 159 of the CNTN2 protein (p.Ala159Val).

NM_005076.5(CNTN2):c.476C>T (p.Ala159Val)

Gene: CNTN2 (contactin 2; plus strand). Cytogenetic location: 1q32.1.
Variant type: single nucleotide variant.
Coding change: c.476C>T on transcript NM_005076.5 (MANE Select); coding-DNA position 476, C replaced by T.
Protein change: p.Ala159Val; replaces alanine 159 with valine.
Molecular consequence: missense variant. On other transcripts: non-coding transcript variant (1).
Genome position (GRCh38, 1-based): chr1:205,058,652, C>T. VCF-style: chr1-205058652-C-T. GRCh37 (hg19) VCF-style: chr1-205027780-C-T.
Other names: c.476C>T, p.Ala159Val (NM_001346083.2); short protein forms A159V.
Identifiers: ClinVar variation 999221 (VCV000999221.8), dbSNP rs1653796008, ClinGen allele CA344406170.
Genomic context (GRCh38, chr1:205,058,652, plus strand): 5'-AGCGAGACCCAGTGAAAGCTCATGAAGGCTGGGGGGTGATGTTGCCCTGTAACCCACCTG[C>T]CCACTACCCAGGTGAGTCCAGACCTGGGGCCAGGGTTAGAGAGGGCACAGGAAGGGCTTC-3'
Protein context (NP_005067.1, residues 149-169): WGVMLPCNPP[Ala159Val]HYPGLSYRWL